The following is an entry in ClinVar:

NM_001184.4(ATR):c.2161A>C (p.Met721Leu)

Gene: ATR (ATR checkpoint kinase; minus strand). Cytogenetic location: 3q23.
Variant type: single nucleotide variant.
Coding change: c.2161A>C on transcript NM_001184.4 (MANE Select); coding-DNA position 2161, A replaced by C.
Protein change: p.Met721Leu; replaces methionine 721 with leucine.
Molecular consequence: missense variant.
Genome position (GRCh38, 1-based): chr3:142,556,057, T>G on the plus strand (A>C on the coding strand, the complement: ATR is on the minus strand). VCF-style: chr3-142556057-T-G. GRCh37 (hg19) VCF-style: chr3-142274899-T-G.
Other names: c.1969A>C, p.Met657Leu (NM_001354579.2); short protein forms M657L, M721L.
Identifiers: ClinVar variation 1786915 (VCV001786915.2), dbSNP rs1248026914, ClinGen allele CA354818866.
Genomic context (GRCh38, chr3:142,556,057, plus strand): 5'-AGAGGTCCACATGTCCGTGTTCAGAGAAAGGTTCTGTTAAAGAACTTGTCAGATAAAACA[T>G]GCCGTGAAGAGTACAGACAAGTTGACCAAGTATAGAAGCAAATTCTTTCTTGACAATGTC-3'
Protein context (NP_001175.2, residues 711-731): LGQLVCTLHG[Met721Leu]FYLTSSLTEP

ClinVar aggregate classification (germline): Uncertain significance (1 of 4 stars; one submission).

Conditions:
Inborn genetic diseases. Identifiers: MedGen C0950123, MeSH D030342.

gnomAD v4.1: 1 of 1,614,110 alleles (0.000062%); no homozygotes.

Submission:

Ambry Genetics
Classification: Uncertain significance for Inborn genetic diseases. Last evaluated: 2022-05-26. Review status: criteria provided, single submitter. Criteria: Ambry Variant Classification Scheme 2023. Collection method: clinical testing. Allele origin: germline.
Comment: The p.M721L variant (also known as c.2161A>C), located in coding exon 10 of the ATR gene, results from an A to C substitution at nucleotide position 2161. The methionine at codon 721 is replaced by leucine, an amino acid with highly similar properties. This amino acid position is conserved. In addition, this alteration is predicted to be tolerated by in silico analysis. Since supporting evidence is limited at this time, the clinical significance of this alteration remains unclear.